The following is an entry in ClinVar:

ClinVar aggregate classification (germline): Uncertain significance (1 of 4 stars; one submission).

Conditions:
Autosomal dominant nocturnal frontal lobe epilepsy 5. Also called: Epilepsy, nocturnal frontal lobe, 5; KCNT1-Related Epilepsy; CILIARY DYSKINESIA, PRIMARY, 28, WITHOUT SITUS INVERSUS; CILIARY DYSKINESIA, PRIMARY, 28, WITH SITUS INVERSUS. Identifiers: Orphanet 98784, MedGen C3554306, MONDO:0014002, OMIM 615005.
Developmental and epileptic encephalopathy, 14 (DEE14). Also called: Early infantile epileptic encephalopathy 14. Identifiers: Orphanet 293181, MedGen C3554195, MONDO:0013989, OMIM 614959.

Allele frequency attached by ClinVar (database versions not stated): ExAC below 0.00001; TOPMed below 0.00001; gnomAD 0.00001; gnomAD exomes 0.00002 and 0.00005.
gnomAD v4.1: 70 of 1,612,590 alleles (0.0043%); highest among the groups gnomAD compares: Non-Finnish European, 0.0058%; no homozygotes.

Submission:

Labcorp Genetics (formerly Invitae), Labcorp
Classification: Uncertain significance for Autosomal dominant nocturnal frontal lobe epilepsy 5; Developmental and epileptic encephalopathy, 14. Last evaluated: 2024-10-20. Review status: criteria provided, single submitter. Criteria: Invitae Variant Classification Sherloc (09022015). Collection method: clinical testing. Allele origin: germline.
Comment: This sequence change replaces valine, which is neutral and non-polar, with isoleucine, which is neutral and non-polar, at codon 134 of the KCNT1 protein (p.Val134Ile). This variant is present in population databases (rs766663683, gnomAD 0.004%). This variant has not been reported in the literature in individuals affected with KCNT1-related conditions. ClinVar contains an entry for this variant (Variation ID: 540561). Invitae Evidence Modeling of protein sequence and biophysical properties (such as structural, functional, and spatial information, amino acid conservation, physicochemical variation, residue mobility, and thermodynamic stability) indicates that this missense variant is not expected to disrupt KCNT1 protein function with a negative predictive value of 80%. In summary, the available evidence is currently insufficient to determine the role of this variant in disease. Therefore, it has been classified as a Variant of Uncertain Significance.

NM_020822.3(KCNT1):c.400G>A (p.Val134Ile)

Gene: KCNT1 (potassium sodium-activated channel subfamily T member 1; plus strand). Cytogenetic location: 9q34.3.
Variant type: single nucleotide variant.
Coding change: c.400G>A on transcript NM_020822.3 (MANE Select); coding-DNA position 400, G replaced by A.
Protein change: p.Val134Ile; replaces valine 134 with isoleucine.
Molecular consequence: missense variant.
Genome position (GRCh38, 1-based): chr9:135,751,007, G>A. VCF-style: chr9-135751007-G-A. GRCh37 (hg19) VCF-style: chr9-138642853-G-A.
Other names: c.256G>A, p.Val86Ile (NM_001272003.2); short protein forms V134I, V86I.
Identifiers: ClinVar variation 540561 (VCV000540561.9), dbSNP rs766663683, ClinGen allele CA5326400.